The following is an entry in ClinVar:

ClinVar aggregate classification (germline): Likely pathogenic (1 of 4 stars; one submission).

Submission:

Labcorp Genetics (formerly Invitae), Labcorp
Classification: Likely pathogenic. Last evaluated: 2023-02-15. Review status: criteria provided, single submitter. Criteria: Invitae Variant Classification Sherloc (09022015). Collection method: clinical testing. Allele origin: germline.
Comment: This variant has not been reported in the literature in individuals affected with MYO6-related conditions. This variant results in the deletion of part of exon 22 (c.2209-2_2212del) of the MYO6 gene. It is expected to disrupt RNA splicing. Variants that disrupt the donor or acceptor splice site typically lead to a loss of protein function (PMID: 16199547), and loss-of-function variants in MYO6 are known to be pathogenic (PMID: 12687499, 18348273, 23767834, 25999546, 30582396). This variant is not present in population databases (gnomAD no frequency). Algorithms developed to predict the effect of sequence changes on RNA splicing suggest that this variant may disrupt the consensus splice site. In summary, the currently available evidence indicates that the variant is pathogenic, but additional data are needed to prove that conclusively. Therefore, this variant has been classified as Likely Pathogenic.

Literature cited by the submitters: PubMed 16199547; PubMed 12687499; PubMed 18348273; PubMed 23767834; PubMed 25999546; PubMed 30582396.

NM_004999.4(MYO6):c.2209-2_2212del

Gene: MYO6 (myosin VI; plus strand). Cytogenetic location: 6q14.1.
Variant type: Deletion.
Coding change: c.2209-2_2212del on transcript NM_004999.4 (MANE Select); the canonical splice acceptor site of the intron before coding-DNA position 2209 through coding-DNA position 2212, 6 bases deleted (AGGCTT; older notation c.2209-2_2212delAGGCTT).
Molecular consequence: splice acceptor variant.
Genome position (GRCh38, 1-based): chr6:75,880,041-75,880,046, AGGCTT deleted. VCF-style (leftmost placement, unchanged base first): chr6-75880040-CAGGCTT-C. GRCh37 (hg19) VCF-style: chr6-76589757-CAGGCTT-C.
Other names: c.2209-2_2212del (NM_001368865.1, NM_001368866.1, NM_001368137.1 and 2 more transcripts); c.2194-2_2197del (NM_001368138.1).
Identifiers: ClinVar variation 2815986 (VCV002815986.3), dbSNP rs2535494860, ClinGen allele CA2578674085.